The following is an entry in ClinVar:

NM_001845.6(COL4A1):c.1419C>G (p.Asp473Glu)

Gene: COL4A1 (collagen type IV alpha 1 chain; minus strand). Cytogenetic location: 13q34.
Variant type: single nucleotide variant.
Coding change: c.1419C>G on transcript NM_001845.6 (MANE Select); coding-DNA position 1419, C replaced by G.
Protein change: p.Asp473Glu; replaces aspartic acid 473 with glutamic acid.
Molecular consequence: missense variant.
Genome position (GRCh38, 1-based): chr13:110,192,876, G>C on the plus strand (C>G on the coding strand, the complement: COL4A1 is on the minus strand). VCF-style: chr13-110192876-G-C. GRCh37 (hg19) VCF-style: chr13-110845223-G-C.
Other names: c.1419C>G, p.Asp473Glu (NM_001303110.2); short protein forms D473E.
Identifiers: ClinVar variation 4078357 (VCV004078357.2).

ClinVar aggregate classification (germline): Uncertain significance. Review status: criteria provided, multiple submitters, no conflicts (2 of 4 stars). 2 submissions from 2 submitters: Uncertain significance (2). Last evaluated 2025-10-24.

gnomAD v4.1: 2 of 1,614,022 alleles (0.00012%); highest among the groups gnomAD compares: Non-Finnish European, 0.00017%; no homozygotes.

Submissions (2):

Women's Health and Genetics/Laboratory Corporation of America, LabCorp
Classification: Uncertain significance. Last evaluated: 2025-10-24. Review status: criteria provided, single submitter. Criteria: LabCorp Variant Classification Summary - May 2015. Collection method: clinical testing. Allele origin: germline.
Comment: Variant summary: COL4A1 c.1419C>G (p.Asp473Glu) results in a conservative amino acid change in the encoded protein sequence. Algorithms developed to predict the effect of missense changes on protein structure and function all suggest that this variant is likely to be tolerated. The variant was absent in 251094 control chromosomes. The available data on variant occurrences in the general population are insufficient to allow any conclusion about variant significance. To our knowledge, no occurrence of c.1419C>G in individuals affected with COL4A1-related conditions and no experimental evidence demonstrating its impact on protein function have been reported. No submitters have cited clinical-significance assessments for this variant to ClinVar. Based on the evidence outlined above, the variant was classified as uncertain significance.

Revvity Omics, Revvity
Classification: Uncertain significance. Last evaluated: 2024-05-22. Review status: criteria provided, single submitter. Criteria: ACMG Guidelines, 2015. Collection method: clinical testing. Allele origin: germline.